The following is an entry in ClinVar:

NM_022114.4(PRDM16):c.2227C>T (p.Arg743Ter)

Gene: PRDM16 (PR/SET domain 16; plus strand). Cytogenetic location: 1p36.32.
Variant type: single nucleotide variant.
Coding change: c.2227C>T on transcript NM_022114.4 (MANE Select); coding-DNA position 2227, C replaced by T.
Protein change: p.Arg743Ter; replaces arginine 743 with a stop codon.
Molecular consequence: nonsense.
Genome position (GRCh38, 1-based): chr1:3,412,424, C>T. VCF-style: chr1-3412424-C-T. GRCh37 (hg19) VCF-style: chr1-3328988-C-T.
Other names: c.2227C>T, p.Arg743Ter (NM_199454.3); short protein forms R743*.
Identifiers: ClinVar variation 859137 (VCV000859137.8), dbSNP rs560412765, ClinGen allele CA337999947.

ClinVar aggregate classification (germline): Uncertain significance (1 of 4 stars; one submission).

Conditions:
Left ventricular noncompaction 8 (LVNC8). Identifiers: Orphanet 154, Orphanet 54260, MedGen C3809288, MONDO:0014152, OMIM 615373.

Submission:

Labcorp Genetics (formerly Invitae), Labcorp
Classification: Uncertain significance for Left ventricular noncompaction 8. Last evaluated: 2019-01-17. Review status: criteria provided, single submitter. Criteria: Invitae Variant Classification Sherloc (09022015). Collection method: clinical testing. Allele origin: germline.
Comment: In summary, the available evidence is currently insufficient to determine the role of this variant in disease. Therefore, it has been classified as a Variant of Uncertain Significance. The current clinical and genetic evidence is not sufficient to establish whether loss-of-function variants in PRDM16 cause disease. This variant has not been reported in the literature in individuals with PRDM16-related conditions. This variant is not present in population databases (ExAC no frequency). This sequence change creates a premature translational stop signal (p.Arg743*) in the PRDM16 gene. It is expected to result in an absent or disrupted protein product.